The following is an entry in ClinVar:

NM_000540.3(RYR1):c.529C>T (p.Arg177Cys)

Gene: RYR1 (ryanodine receptor 1; plus strand). Cytogenetic location: 19q13.2.
Variant type: single nucleotide variant.
Coding change: c.529C>T on transcript NM_000540.3 (MANE Select); coding-DNA position 529, C replaced by T.
Protein change: p.Arg177Cys; replaces arginine 177 with cysteine.
Molecular consequence: missense variant.
Genome position (GRCh38, 1-based): chr19:38,444,253, C>T. VCF-style: chr19-38444253-C-T. GRCh37 (hg19) VCF-style: chr19-38934893-C-T.
Other names: NM_000540.2(RYR1):c.529C>T; c.529C>T, p.Arg177Cys (NM_001042723.2); short protein forms R177C.
Identifiers: ClinVar variation 133147 (VCV000133147.45), dbSNP rs193922757, ClinGen allele CA024503.
Genomic context (GRCh38, chr19:38,444,253, plus strand): 5'-TCTGAAGGAGAAAAGGTCCGCGTTGGGGATGACATCATCCTTGTCAGTGTCTCCTCCGAG[C>T]GCTACCTGGTGAGCCATTGCGGTTCCTCCTGCTCCCAGGTCTGGGGGCGCATGGGATGGT-3'
Protein context (NP_000531.2, residues 167-187): DIILVSVSSE[Arg177Cys]YLHLSTASGE

ClinVar aggregate classification (germline): Pathogenic. Review status: reviewed by expert panel (3 of 4 stars). 7 submissions from 7 submitters: Pathogenic (1). 6 of the submissions do not count toward it. Last evaluated 2021-03-16.

Conditions:
RYR1-related disorder. Also called: RYR1-related condition; RYR1-related disorders. Identifiers: MedGen CN239331.
Malignant hyperthermia, susceptibility to, 1 (MHS1). Also called: Malignant hyperthermia suceptibility 1; Anesthesia related hyperthermia; Malignant hyperpyrexia; Fulminating hyperpyrexia; Pharmacogenic myopathy; RYR1-Related Malignant Hyperthermia Susceptibility. Identifiers: Orphanet 423, MedGen C2930980, MONDO:0007783, OMIM 145600.

Allele frequency attached by ClinVar (database versions not stated): gnomAD exomes below 0.00001; TOPMed below 0.00001; ExAC 0.00001; gnomAD 0.00001.
gnomAD v4.1: 6 of 1,612,754 alleles (0.00037%); highest among the groups gnomAD compares: Non-Finnish European, 0.00025%; no homozygotes.

Submissions (7):

ClinGen Malignant Hyperthermia Susceptibility Variant Curation Expert Panel, ClinGen
Classification: Pathogenic for Malignant hyperthermia, susceptibility to, 1. Last evaluated: 2021-03-16. Review status: reviewed by expert panel. Criteria: ClinGen MHS ACMG Specifications V1. Collection method: curation. Allele origin: germline. Inheritance: Autosomal dominant inheritance. Study: ClinGen.
Comment: This pathogenicity assessment is relevant only for malignant hyperthermia susceptibility (MHS) inherited in an autosomal dominant pattern. Variants in RYR1 can also cause other myopathies inherited in an autosomal dominant pattern or in an autosomal recessive pattern. Some of these disorders may predispose individuals to malignant hyperthermia. RYR1 variants may also contribute to a malignant hyperthermia reaction in combination with other genetic and non-genetic factors and the clinician needs to consider such factors in making management decisions. This sequence variant predicts a substitution of arginine with cysteine at codon 177 of the RYR1 protein, p.(Arg177Cys). This variant was not present in the six major gnomAD populations at the time this variant was interpreted. This variant has been reported in 11 unrelated individuals who have a personal or family history of a malignant hyperthermia reaction, 11 of these individuals had a positive in vitro contracture test (IVCT) or caffeine halothane contracture test (CHCT) result (if the proband was unavailable for testing, a positive diagnostic test result in a mutation-positive relative was counted), PS4 (PMID:30236257, PMID:16163667). In one individuals the variant was determined to be de novo with confirmed parentage PS2_Moderate. No functional studies were identified for this variant. This variant resides in a region of RYR1 considered to be a hotspot for pathogenic variants that contribute to MHS, PM1 (PMID: 21118704). This variant segregates with MHS in at least 7 individuals PP1_Strong (PMID:19648156). A REVEL score >0.85 (0.931) supports a pathogenic status for this variant, PP3_Moderate. Based on using Bayes to combine criteria this variant is assessed as Pathogenic, (PMID: 29300386). Criteria implemented: PS2_Moderate, PS4, PM1, PP1_Strong, PP3_Moderate, BS2_Moderate.

3billion
Classification: Pathogenic for Malignant hyperthermia, susceptibility to, 1. Last evaluated: 2025-11-03. Review status: criteria provided, single submitter. Criteria: ACMG Guidelines, 2015. Collection method: clinical testing. Allele origin: germline. Affected: yes. Not counted in ClinVar's aggregate classification.
Comment: The variant is observed in the gnomAD v4.1.0 dataset (total allele frequency: <0.001%). Predicted Consequence/Location: The variant is located in a mutational hot spot and/or well-established functional domain in which established pathogenic variants have been reported (PMID: 33767344). In silico tool predictions suggest damaging effect of the variant on gene or gene product [REVEL: 0.93 (>=0.6, sensitivity 0.68 and specificity 0.92); 3Cnet: 0.75 (> 0.75, sensitivity 0.96 and precision 0.92)]. The same nucleotide change resulting in the same amino acid change has been previously reported as pathogenic/likely pathogenic with strong evidence (ClinVar ID: VCV000133147 /PMID: 16163667). The variant has been observed in multiple (>3) similarly affected unrelated individuals (PMID: 16163667, 30236257). The variant has been reported to co-segregate with the disease in at least 7 similarly affected relatives/individuals in at least two unrelated families (PMID: 19648156). A different missense change at the same codon (p.Arg177His) has been reported to be associated with RYR1-related disorder (ClinVar ID: VCV002724850). Therefore, this variant is classified as Pathogenic according to the recommendation of ACMG/AMP guideline.

Labcorp Genetics (formerly Invitae), Labcorp
Classification: Pathogenic for RYR1-related disorder. Last evaluated: 2025-01-29. Review status: criteria provided, single submitter. Criteria: Invitae Variant Classification Sherloc (09022015). Collection method: clinical testing. Allele origin: germline. Not counted in ClinVar's aggregate classification.
Comment: This sequence change replaces arginine, which is basic and polar, with cysteine, which is neutral and slightly polar, at codon 177 of the RYR1 protein (p.Arg177Cys). This variant is present in population databases (rs193922757, gnomAD 0.004%). This missense change has been observed in individuals with malignant hyperthermia (PMID: 16163667, 16835904, 19648156, 21965348, 25658027, 28078069). ClinVar contains an entry for this variant (Variation ID: 133147). Invitae Evidence Modeling of protein sequence and biophysical properties (such as structural, functional, and spatial information, amino acid conservation, physicochemical variation, residue mobility, and thermodynamic stability) indicates that this missense variant is expected to disrupt RYR1 protein function with a positive predictive value of 95%. Experimental studies have shown that this missense change does not substantially affect RYR1 function (PMID: 19541610). For these reasons, this variant has been classified as Pathogenic.

CeGaT Center for Human Genetics Tuebingen
Classification: Pathogenic. Last evaluated: 2022-04-01. Review status: criteria provided, single submitter. Criteria: CeGaT Center For Human Genetics Tuebingen Variant Classification Criteria Version 2. Collection method: clinical testing. Allele origin: germline. Affected: yes. Observed: 1 variant allele. Not counted in ClinVar's aggregate classification.
Comment: RYR1: PP1:Strong, PM1, PM2, PS2:Moderate, PP3

GeneDx
Classification: Uncertain significance. Last evaluated: 2019-11-12. Review status: criteria provided, single submitter. Criteria: GeneDx Variant Classification Process June 2021. Collection method: clinical testing. Allele origin: germline. Affected: yes. Not counted in ClinVar's aggregate classification.
Comment: Not observed at a significant frequency in large population cohorts (Lek et al., 2016); In silico analysis, which includes protein predictors and evolutionary conservation, supports a deleterious effect; This variant is associated with the following publications: (PMID: 19541610, 19648156, 16163667, 30236257)

PreventionGenetics, part of Exact Sciences
Classification: Pathogenic for RYR1-related condition. Last evaluated: 2024-09-13. Review status: no assertion criteria provided. Collection method: clinical testing. Allele origin: germline. Not counted in ClinVar's aggregate classification.
Comment: The RYR1 c.529C>T variant is predicted to result in the amino acid substitution p.Arg177Cys. This variant has been reported to be responsible for Malignant Hyperthermia (MH) in several families, including occurring de novo in one individual (Monnier et al. 2005. PubMed ID: 16163667; Robinson et al. 2006. PubMed ID: 16917943; Carpenter et al. 2009. PubMed ID: 19648156). Exon 6 is a hotspot for MH pathogenic variants in RYR1; several substitutions at nearby amino acids have been reported to be pathogenic for MH. This variant is reported in 0.0046% of alleles in individuals of European (Finnish) descent in gnomAD. This variant is interpreted as pathogenic.

RYR1 database
No classification provided. Review status: no classification provided. Collection method: not provided. Allele origin: unknown. Not counted in ClinVar's aggregate classification.

Literature cited by the submitters: PubMed 16163667 (cited by 3billion and Labcorp Genetics (formerly Invitae), Labcorp); PubMed 30236257 (cited by 3billion); PubMed 19648156 (cited by 3billion and Labcorp Genetics (formerly Invitae), Labcorp); PubMed 16835904 (cited by Labcorp Genetics (formerly Invitae), Labcorp); PubMed 21965348 (cited by Labcorp Genetics (formerly Invitae), Labcorp); PubMed 25658027 (cited by Labcorp Genetics (formerly Invitae), Labcorp); PubMed 28078069 (cited by Labcorp Genetics (formerly Invitae), Labcorp); PubMed 19541610 (cited by Labcorp Genetics (formerly Invitae), Labcorp).